The following is an entry in ClinVar:

ClinVar aggregate classification (germline): Likely benign (1 of 4 stars; one submission).

Submission:

GeneDx
Classification: Likely benign. Last evaluated: 2016-05-03. Review status: criteria provided, single submitter. Criteria: GeneDx Variant Classification (06012015). Collection method: clinical testing. Allele origin: germline. Affected: yes.
Comment: This variant is considered likely benign or benign based on one or more of the following criteria: it is a conservative change, it occurs at a poorly conserved position in the protein, it is predicted to be benign by multiple in silico algorithms, and/or has population frequency not consistent with disease.

NM_000455.5(STK11):c.-19C>T

Gene: STK11 (serine/threonine kinase 11; plus strand). Cytogenetic location: 19p13.3.
Variant type: single nucleotide variant.
Coding change: c.-19C>T on transcript NM_000455.5 (MANE Select); 19 bases upstream of the start codon, C replaced by T.
Molecular consequence: 5 prime UTR variant.
Genome position (GRCh38, 1-based): chr19:1,206,895, C>T. VCF-style: chr19-1206895-C-T. GRCh37 (hg19) VCF-style: chr19-1206894-C-T.
Identifiers: ClinVar variation 385934 (VCV000385934.1), dbSNP rs1057522370, ClinGen allele CA16608817.